The following is an entry in ClinVar:

NM_001271938.2(MEGF8):c.8492G>A (p.Arg2831Gln)

Gene: MEGF8 (multiple EGF like domains 8; plus strand). Cytogenetic location: 19q13.2.
Variant type: single nucleotide variant.
Coding change: c.8492G>A on transcript NM_001271938.2 (MANE Select); coding-DNA position 8492, G replaced by A.
Protein change: p.Arg2831Gln; replaces arginine 2831 with glutamine.
Molecular consequence: missense variant.
Genome position (GRCh38, 1-based): chr19:42,376,729, G>A. VCF-style: chr19-42376729-G-A. GRCh37 (hg19) VCF-style: chr19-42880881-G-A.
Other names: c.8291G>A, p.Arg2764Gln (NM_001410.3); c.8291G>A (NM_001410.2); short protein forms R2764Q, R2831Q.
Identifiers: ClinVar variation 999356 (VCV000999356.11), dbSNP rs766621187, ClinGen allele CA9476387.

ClinVar aggregate classification (germline): Uncertain significance. Review status: criteria provided, multiple submitters, no conflicts (2 of 4 stars). 4 submissions from 4 submitters: Uncertain significance (3). 1 of the submissions does not count toward it. Last evaluated 2025-12-13.

Conditions:
MEGF8-related disorder. Also called: MEGF8-related condition.
MEGF8-related Carpenter syndrome. Also called: Carpenter syndrome 2. Identifiers: Orphanet 65759, MedGen C3554247, MONDO:0013998, OMIM 614976.

Allele frequency attached by ClinVar (database versions not stated): gnomAD exomes 0.00004 and 0.00037; gnomAD 0.00005; TOPMed 0.00010; ExAC 0.00055.
gnomAD v4.1: 57 of 1,480,720 alleles (0.0038%); highest among the groups gnomAD compares: Admixed American, 0.1%; no homozygotes.

Submissions (4):

Labcorp Genetics (formerly Invitae), Labcorp
Classification: Uncertain significance for MEGF8-related Carpenter syndrome. Last evaluated: 2025-12-13. Review status: criteria provided, single submitter. Criteria: Invitae Variant Classification Sherloc (09022015). Collection method: clinical testing. Allele origin: germline.
Comment: This sequence change replaces arginine, which is basic and polar, with glutamine, which is neutral and polar, at codon 2764 of the MEGF8 protein (p.Arg2764Gln). This variant is present in population databases (rs766621187, gnomAD 0.2%). This variant has not been reported in the literature in individuals affected with MEGF8-related conditions. ClinVar contains an entry for this variant (Variation ID: 999356). An algorithm developed to predict the effect of missense changes on protein structure and function (PolyPhen-2) suggests that this variant is likely to be disruptive. In summary, the available evidence is currently insufficient to determine the role of this variant in disease. Therefore, it has been classified as a Variant of Uncertain Significance.

GeneDx
Classification: Uncertain significance. Last evaluated: 2022-07-26. Review status: criteria provided, single submitter. Criteria: GeneDx Variant Classification Process June 2021. Collection method: clinical testing. Allele origin: germline. Affected: yes.
Comment: In silico analysis supports that this missense variant does not alter protein structure/function; Has not been previously published as pathogenic or benign to our knowledge

Breakthrough Genomics
Classification: Uncertain significance. Review status: criteria provided, single submitter. Criteria: ACMG Guidelines, 2015. Collection method: not provided. Allele origin: germline. Inheritance: Autosomal dominant inheritance. Affected: yes.

PreventionGenetics, part of Exact Sciences
Classification: Likely benign for MEGF8-related condition. Last evaluated: 2022-05-27. Review status: no assertion criteria provided. Collection method: clinical testing. Allele origin: germline. Not counted in ClinVar's aggregate classification.
Comment: This variant is classified as likely benign based on ACMG/AMP sequence variant interpretation guidelines (Richards et al. 2015 PMID: 25741868, with internal and published modifications).